The following is an entry in ClinVar:

ClinVar aggregate classification (germline): Uncertain significance (1 of 4 stars; one submission).

Conditions:
Hereditary cancer-predisposing syndrome. Also called: Neoplastic Syndromes, Hereditary; Tumor predisposition; Hereditary Cancer Syndrome; Hereditary neoplastic syndrome. Identifiers: Orphanet 140162, MedGen C0027672, MeSH D009386, MONDO:0015356.

Submission:

Color Diagnostics, LLC DBA Color Health
Classification: Uncertain significance for Hereditary cancer-predisposing syndrome. Last evaluated: 2024-05-22. Review status: criteria provided, single submitter. Criteria: ACMG Guidelines, 2015. Collection method: clinical testing. Allele origin: germline.
Comment: This missense variant replaces glutamic acid with alanine at codon 744 of the ATM protein. Computational prediction suggests that this variant may not impact protein structure and function (internally defined REVEL score threshold <= 0.5, PMID: 27666373). To our knowledge, functional studies have not been reported for this variant. This variant has not been reported in individuals affected with ATM-related disorders in the literature. This variant has not been identified in the general population by the Genome Aggregation Database (gnomAD). The available evidence is insufficient to determine the role of this variant in disease conclusively. Therefore, this variant is classified as a Variant of Uncertain Significance.

NM_000051.4(ATM):c.2231A>C (p.Glu744Ala)

Gene: ATM (ATM serine/threonine kinase; plus strand). Cytogenetic location: 11q22.3.
Variant type: single nucleotide variant.
Coding change: c.2231A>C on transcript NM_000051.4 (MANE Select); coding-DNA position 2231, A replaced by C.
Protein change: p.Glu744Ala; replaces glutamic acid 744 with alanine.
Molecular consequence: missense variant.
Genome position (GRCh38, 1-based): chr11:108,256,321, A>C. VCF-style: chr11-108256321-A-C. GRCh37 (hg19) VCF-style: chr11-108127048-A-C.
Other names: c.2231A>C, p.Glu744Ala (NM_001351834.2); short protein forms E744A.
Identifiers: ClinVar variation 3893835 (VCV003893835.1).
Genomic context (GRCh38, chr11:108,256,321, plus strand): 5'-GTGTCCTTGGCTGCTACTGTTACATGGGTGTAATAGCTGAAGAGGAAGCATATAAGTCAG[A>C]ATTATTCCAGAAAGCCAAGGTAGGAGAATTTATACTAATAAAGTTTCGGATAAATTTGAA-3'
Protein context (NP_000042.3, residues 734-754): VIAEEEAYKS[Glu744Ala]LFQKAKSLMQ